The following is an entry in ClinVar:

NM_003002.4(SDHD):c.315-1681_315-1666del

Gene: SDHD (succinate dehydrogenase complex subunit D; plus strand). Cytogenetic location: 11q23.1.
Variant type: Deletion.
Coding change: c.315-1681_315-1666del on transcript NM_003002.4 (MANE Select); 1681 bases into the intron before coding-DNA position 315 through 1666 bases into the intron before coding-DNA position 315, 16 bases deleted (CAGCACGATCTCAGCT).
Molecular consequence: intron variant. On other transcripts: frameshift variant (1).
Genome position (GRCh38, 1-based): chr11:112,093,124-112,093,139, CAGCACGATCTCAGCT deleted; deleting any 16 consecutive bases within chr11:112,093,121-112,093,139 gives the same sequence; the c. name uses the placement nearest the transcript's 3' end. VCF-style (leftmost placement, unchanged base first): chr11-112093120-GGCTCAGCACGATCTCA-G. GRCh37 (hg19) VCF-style: chr11-111963844-GGCTCAGCACGATCTCA-G.
Other names: c.359_374del, p.Ser120fs (NM_001276506.2); c.170-1681_170-1666del (NM_001276503.2); c.198-1681_198-1666del (NM_001276504.2); short protein forms S120fs.
Identifiers: ClinVar variation 3355278 (VCV003355278.2).

ClinVar aggregate classification (germline): Uncertain significance (1 of 4 stars; one submission).

Conditions:
SDHD-related disorder. Also called: SDHD-related condition.

Submission:

PreventionGenetics, part of Exact Sciences
Classification: Uncertain significance for SDHD-related condition. Last evaluated: 2025-12-10. Review status: criteria provided, single submitter. Criteria: ACMG Guidelines, 2015. Collection method: clinical testing. Allele origin: germline.
Comment: The SDHD c.359_374del16 variant is predicted to result in a frameshift and premature protein termination (p.Ser120Leufs*79). To our knowledge, this variant has not been reported in the literature and is located in the intronic region of the gene. This variant is reported in 0.052% of alleles in individuals of East Asian descent in gnomAD. At this time, the clinical significance of this variant is uncertain due to the absence of conclusive functional and genetic evidence.